The following continues an entry in ClinVar:

NM_025152.3(NUBPL):c.815-27T>C

Gene: NUBPL. ClinVar aggregate classification (germline): Conflicting classifications of pathogenicity. Pathogenic (6); Likely pathogenic (6); Uncertain significance (8).

Submissions 10 to 22 of 22:

Laboratory for Molecular Medicine, Mass General Brigham Personalized Medicine
Classification: Uncertain significance for Mitochondrial complex I deficiency. Last evaluated: 2024-02-16. Review status: criteria provided, single submitter. Criteria: ACMG Guidelines, 2015. Collection method: clinical testing. Allele origin: germline. Inheritance: Autosomal recessive inheritance.
Comment: The c.815-27T>C variant in NUBPL is typically observed as a compound allele (in cis) with the c.166G>A [p.G56R] variant in individuals with mitochondrial complex I deficiency. By itself, it has been reported in at least one individual with mitochondrial complex I deficiency and an another variant in trans, and segregated with disease in at least 1 sibling (Kimonis 2021 PMID: 32518176; Maclean 2018 PMID:29982452). This variant has also been identified in 1.28% (819/63974) of European (Finnish) chromosomes, including 22 homozygotes, by gnomAD (v4.0.0) and reported in ClinVar (Variation ID 50317). This variant is located in the splice branch site, and computational prediction tools suggest an impact on splicing. An RT-PCR study demonstrated that this variant results in three transcripts: wild-type, the use of a cryptic acceptor site (p.G272VfsX11), or skipping of exon 10 (p.D273QfsX31). In addition, in vitro functional studies demonstrated that patient cells express reduced levels of the wild-type transcript, possibly as a result of degradation of a variant transcript by NMD (Tucker 2012 PMID: 22072591). Overall, it is unclear if this variant in isolation causes disease or whether it acts in synergy with the p.G56R variant. Therefore, while there is some suspicion for a pathogenic role, the clinical significance of this variant is uncertain. ACMG/AMP Criteria applied: PM3, PP1, PP3, PS3_Supporting, BS1_Supporting.

Revvity Omics, Revvity
Classification: Likely pathogenic for Mitochondrial complex I deficiency, nuclear type 21. Last evaluated: 2024-01-08. Review status: criteria provided, single submitter. Criteria: ACMG Guidelines, 2015. Collection method: clinical testing. Allele origin: germline.

Blueprint Genetics
Classification: Uncertain significance. Last evaluated: 2023-03-15. Review status: criteria provided, single submitter. Criteria: ACMG Guidelines, 2015. Collection method: clinical testing. Allele origin: germline.

Department of Pathology and Laboratory Medicine, Sinai Health System
Classification: Pathogenic for Mitochondrial complex I deficiency, nuclear type 21. Last evaluated: 2022-11-21. Review status: criteria provided, single submitter. Criteria: ACMG Guidelines, 2015. Collection method: research. Allele origin: germline.

Mendelics
Classification: Pathogenic for Mitochondrial complex I deficiency, nuclear type 21. Last evaluated: 2022-05-04. Review status: criteria provided, single submitter. Criteria: Mendelics Assertion Criteria 2019. Collection method: clinical testing. Allele origin: germline.

Ambry Genetics
Classification: Likely pathogenic for Inborn genetic diseases. Last evaluated: 2021-04-13. Review status: criteria provided, single submitter. Criteria: Ambry Variant Classification Scheme 2023. Collection method: clinical testing. Allele origin: germline.
Comment: The c.815-27T>C intronic alteration consists of a T to C substitution 27 nucleotides before coding exon 10 in the NUBPL gene and is predicted to affect the native branch site. Based on data from the Genome Aggregation Database (gnomAD) database, the NUBPL c.815-27T>C alteration was observed in 0.35% (992/280082) of total alleles studied (including 10 homozygotes), with a frequency of 1.24% (310/24978) in the European (Finnish) subpopulation. The [c.166G>A (p.G56R); c.815-27T>C] complex allele has been reported in the homozygous state, compound heterozygous state, and confirmed in trans with a second pathogenic allele in multiple unrelated patients with mitochondrial encephalomyopathy (Calvo, 2010; Kevelam, 2013). Emerging evidence is suggestive that the NUBPL [c.166G>A (p.G56R); c.815-27T>C] complex allele is likely pathogenic when these alterations are in cis; however, the clinical significance of these alterations in isolation remains uncertain. The c.815-27T nucleotide is highly conserved in available vertebrate species. Functional analysis of cultured fibroblasts from a patient bearing the [c.166G>A (p.G56R); c.815-27T>C] complex allele in trans with a complex rearrangement, as well as a control patient who was heterozygous for only the c.815-27T>C alteration, demonstrated an aberrant RT-PCR pattern with three distinct transcripts: wild-type, a lengthened transcript resulting from a cryptic splice site which introduces an additional 72 bp and results in a frameshift (p.G272Vfs*11), as well as a truncated transcript generated due to exon 10 skipping resulting in a frameshift (p.D273Qfs*31) (Tucker, 2012). Analysis by qRT-PCR and Western blot showed that the heterozygous control with only the c.815-27T>C alteration had reduced mRNA expression (74%) and protein expression (59%) compared to wild type controls, and the patient with the [c.166G>A (p.G56R); c.815-27T>C] complex allele and complex rearrangement on the other allele had more significant reduction in mRNA expression (15%) and undetectable protein expression (Tucker, 2012). No defective function was identified when the protein with the G56R missense change was over-expressed (Tucker, 2012). The p.D273Qfs*31 transcript is completely non-functional in yeast assays (Wydro, 2013; Maclean, 2018). In silico splice site analysis predicts that the c.815-27T>C alteration will weaken the native splice acceptor site and will result in the creation or strengthening of a novel splice acceptor site. Based on the available evidence, this alteration is classified as likely pathogenic.

Victorian Clinical Genetics Services, Murdoch Childrens Research Institute
Classification: Uncertain significance for Mitochondrial complex I deficiency, nuclear type 21. Last evaluated: 2020-10-19. Review status: criteria provided, single submitter. Criteria: ACMG Guidelines, 2015. Collection method: clinical testing. Allele origin: germline. Inheritance: Autosomal recessive inheritance. Affected: yes.
Comment: Based on the classification scheme VCGS_Germline_v1.1.1, this variant is classified as 3B-VUS. Following criteria are met: 0102 - Loss-of-function is a known mechanism of disease for this gene. (N) 0106 - This gene is known to be associated with autosomal recessive disease. (N) 0210 - Splice site variant (canonical or non-canonical) proven to affect splicing/expression of the transcript with a known effect on protein structure. Functional studies showed three alternate transcripts were generated as a result of aberrant splicing from the allele with this variant: one transcript with normal splicing, one with exon 10 skipped resulting in a frameshift but no nonsense-mediated decay (NMD), and a third transcript that utilised a cryptic splice site resulting in a frameshift and NMD (PMIDs: 22072591, 32518176). (P) 0251 - Variant is heterozygous. (N) 0305 - Variant is present in gnomAD >=0.01 and <0.03 for a recessive condition (972 heterozygotes, 10 homozygotes). (N) 0705 - No comparable variants have previous evidence for pathogenicity. (N) 0803 - Low previous evidence of pathogenicity in unrelated individuals. An allele harbouring this variant in cis with a second variant (p.(Gly56Arg)) has been reported as pathogenic in many patients, majority of whom were in compound heterozygous state with a pathogenic allele (PMIDs: 22072591, 25245479, 23553477). However, an allele harbouring this variant without the p.(Gly56Arg) variant has been associated with disease in one family (PMID: 32518176). (P) 1001 - Strong functional evidence supporting abnormal protein function. Functional studies showed levels of NUBPL mRNA and protein were decreased in the fibroblast cells heterozygous for this variant alone (PMID: 22072591). (N) Legend: (P) - Pathogenic, (N) - Neutral, (B) - Benign

Undiagnosed Diseases Network, NIH
Classification: Uncertain significance for Mitochondrial complex I deficiency, nuclear type 21. Last evaluated: 2020-08-24. Review status: criteria provided, single submitter. Criteria: ACMG Guidelines, 2015. Collection method: clinical testing. Allele origin: paternal. Inheritance: Autosomal recessive inheritance. Affected: yes. Observed: 1 variant allele, 1 compound heterozygote. Study: Undiagnosed Diseases Network (NIH), UDN.

Institute for Genomic Medicine (IGM) Clinical Laboratory, Nationwide Children's Hospital
Classification: Likely pathogenic for Mitochondrial complex I deficiency, nuclear type 21. Last evaluated: 2018-06-15. Review status: criteria provided, single submitter. Criteria: ACMG Guidelines, 2015. Collection method: clinical testing. Allele origin: germline. Affected: yes.
Comment: [ACMG/AMP: PS3, PP3, PP5, BS1] This alteration is supported by well-established in vitro or in vivo functional studies to have a damaging effect on protein function or splicing [PS3], is predicted to be damaging by multiple functional prediction tools [PP3], was reported as a pathogenic/likely pathogenic alteration by a reputable source (ClinVar or other correspondence from a clinical testing laboratory) [PP5], has an allele frequency that is greater than expected for the associated disease [BS1].

GeneDx
Classification: Pathogenic. Last evaluated: 2017-08-14. Review status: criteria provided, single submitter. Criteria: GeneDx Variant Classification (06012015). Collection method: clinical testing. Allele origin: germline. Affected: yes.
Comment: Expression studies of the c.815-27 T>C sequence change found that this variant impairs mRNA splicing resulting in a 80% decrease in complex I assembly and function (Tucker et al., 2012; Wydro et al., 2013). Therefore, based on the currently available information, the c.815-27 T>C variant is a strong candidate for a pathogenic variant; however, the possibility that it is a benign variant cannot be excluded.

Center for Pediatric Genomic Medicine, Children's Mercy Hospital and Clinics
Classification: Uncertain significance. Last evaluated: 2017-01-09. Review status: criteria provided, single submitter. Criteria: ACMG Guidelines, 2015. Collection method: clinical testing. Allele origin: germline.
ClinVar note: Converted during submission from Uncertain Significance to Uncertain significance.

Clinical Genetics Laboratory, University Hospital Schleswig-Holstein
Classification: Likely pathogenic for Mitochondrial complex I deficiency, nuclear type 21. Last evaluated: 2024-08-22. Review status: no assertion criteria provided. Collection method: clinical testing. Allele origin: maternal. Affected: yes. Not counted in ClinVar's aggregate classification.

OMIM
Classification: Pathogenic for MITOCHONDRIAL COMPLEX I DEFICIENCY, NUCLEAR TYPE 21. Last evaluated: 2021-07-20. Review status: no assertion criteria provided. Collection method: literature only. Allele origin: germline. Not counted in ClinVar's aggregate classification.

Literature cited by the submitters: PubMed 22072591 (cited by 6 submitters); PubMed 23828044 (cited by 3 submitters); PubMed 32518176 (cited by 6 submitters); PubMed 32371413 (cited by Variantyx, Inc. and Mayo Clinic Laboratories, Mayo Clinic); PubMed 29417091 (cited by 4 submitters); PubMed 20818383 (cited by 4 submitters); PubMed 23553477 (cited by 4 submitters); PubMed 29982452 (cited by 3 submitters); PubMed 24440636 (cited by Mayo Clinic Laboratories, Mayo Clinic); PubMed 25245479 (cited by Mayo Clinic Laboratories, Mayo Clinic and Victorian Clinical Genetics Services, Murdoch Childrens Research Institute); PubMed 29019354 (cited by Mayo Clinic Laboratories, Mayo Clinic); PubMed 31980526 (cited by Mayo Clinic Laboratories, Mayo Clinic); PubMed 34991945 (cited by Mayo Clinic Laboratories, Mayo Clinic); PubMed 36280881 (cited by Mayo Clinic Laboratories, Mayo Clinic).